The following is an entry in ClinVar:

NM_000455.5(STK11):c.1211C>A (p.Ser404Tyr)

Gene: STK11 (serine/threonine kinase 11; plus strand). Cytogenetic location: 19p13.3.
Variant type: single nucleotide variant.
Coding change: c.1211C>A on transcript NM_000455.5 (MANE Select); coding-DNA position 1211, C replaced by A.
Protein change: p.Ser404Tyr; replaces serine 404 with tyrosine.
Molecular consequence: missense variant.
Genome position (GRCh38, 1-based): chr19:1,226,556, C>A. VCF-style: chr19-1226556-C-A. GRCh37 (hg19) VCF-style: chr19-1226555-C-A.
Other names: short protein forms S404Y.
Identifiers: ClinVar variation 458022 (VCV000458022.15), dbSNP rs200078204, ClinGen allele CA402953753.

ClinVar aggregate classification (germline): Conflicting classifications of pathogenicity. Review status: criteria provided, conflicting classifications (1 of 4 stars). 3 submissions from 3 submitters: Uncertain significance (2); Likely benign (1). Last evaluated 2025-01-14.

Conditions:
Hereditary cancer-predisposing syndrome. Also called: Hereditary Cancer Syndrome; Hereditary neoplastic syndrome; Tumor predisposition; Neoplastic Syndromes, Hereditary. Identifiers: Orphanet 140162, MedGen C0027672, MeSH D009386, MONDO:0015356.
Peutz-Jeghers syndrome (PJS). Also called: POLYPOSIS, HAMARTOMATOUS INTESTINAL; POLYPS-AND-SPOTS SYNDROME; Peutz-Jeghers polyposis; Periorificial lentiginosis syndrome. Identifiers: Orphanet 2869, MedGen C0031269, MeSH D010580, MONDO:0008280, OMIM 175200.

Submissions (3):

Labcorp Genetics (formerly Invitae), Labcorp
Classification: Uncertain significance for Peutz-Jeghers syndrome. Last evaluated: 2025-01-14. Review status: criteria provided, single submitter. Criteria: Invitae Variant Classification Sherloc (09022015). Collection method: clinical testing. Allele origin: germline.
Comment: This sequence change replaces serine, which is neutral and polar, with tyrosine, which is neutral and polar, at codon 404 of the STK11 protein (p.Ser404Tyr). This variant is not present in population databases (gnomAD no frequency). This variant has not been reported in the literature in individuals affected with STK11-related conditions. ClinVar contains an entry for this variant (Variation ID: 458022). Invitae Evidence Modeling of protein sequence and biophysical properties (such as structural, functional, and spatial information, amino acid conservation, physicochemical variation, residue mobility, and thermodynamic stability) indicates that this missense variant is not expected to disrupt STK11 protein function with a negative predictive value of 95%. In summary, the available evidence is currently insufficient to determine the role of this variant in disease. Therefore, it has been classified as a Variant of Uncertain Significance.

Ambry Genetics
Classification: Likely benign for Hereditary cancer-predisposing syndrome. Last evaluated: 2024-03-11. Review status: criteria provided, single submitter. Criteria: Ambry Variant Classification Scheme 2023. Collection method: clinical testing. Allele origin: germline.

Genome-Nilou Lab
Classification: Uncertain significance for Peutz-Jeghers syndrome. Last evaluated: 2021-07-15. Review status: criteria provided, single submitter. Criteria: ACMG Guidelines, 2015. Collection method: clinical testing. Allele origin: germline. Affected: no.